The following is an entry in ClinVar:

NM_000307.5(POU3F4):c.93C>G (p.Phe31Leu)

Gene: POU3F4 (POU class 3 homeobox 4; plus strand). Cytogenetic location: Xq21.1.
Variant type: single nucleotide variant.
Coding change: c.93C>G on transcript NM_000307.5 (MANE Select); coding-DNA position 93, C replaced by G.
Protein change: p.Phe31Leu; replaces phenylalanine 31 with leucine.
Molecular consequence: missense variant.
Genome position (GRCh38, 1-based): chrX:83,508,417, C>G. VCF-style: chrX-83508417-C-G. GRCh37 (hg19) VCF-style: chrX-82763425-C-G.
Other names: short protein forms F31L.
Identifiers: ClinVar variation 4992443 (VCV004992443.1).

ClinVar aggregate classification (germline): Uncertain significance (1 of 4 stars; one submission).

Conditions:
POU3F4-related disorder. Also called: POU3F4-related condition.

Submission:

PreventionGenetics, part of Exact Sciences
Classification: Uncertain significance for POU3F4-related condition. Last evaluated: 2026-02-04. Review status: criteria provided, single submitter. Criteria: ACMG Guidelines, 2015. Collection method: clinical testing. Allele origin: germline.
Comment: The POU3F4 c.93C>G variant is predicted to result in the amino acid substitution p.Phe31Leu. To our knowledge, this variant has not been reported in the literature or in a large population database (gnomAD), indicating this variant is rare. At this time, the clinical significance of this variant is uncertain due to the absence of conclusive functional and genetic evidence.